The following is an entry in ClinVar:

ClinVar aggregate classification (germline): Conflicting classifications of pathogenicity. Review status: criteria provided, conflicting classifications (1 of 4 stars). 3 submissions from 3 submitters: Uncertain significance (1); Benign (2). Last evaluated 2026-09-01.

Conditions:
Mitochondrial complex I deficiency, nuclear type 1. Also called: NADH-COENZYME Q REDUCTASE DEFICIENCY; MITOCHONDRIAL NADH DEHYDROGENASE COMPONENT OF COMPLEX I, DEFICIENCY OF. Identifiers: MedGen C6022305, MONDO:0100224, OMIM 252010.

Allele frequency attached by ClinVar (database versions not stated): TOPMed 0.00479; 1000 Genomes Project 30x 0.00750; 1000 Genomes Project 0.00699; gnomAD 0.00425 and 0.00446.
gnomAD v4.1: 849 of 600,010 alleles (0.14%); highest among the groups gnomAD compares: African/African-American, 1.4%; 5 homozygotes.

Submissions (3):

CeGaT Center for Human Genetics Tuebingen
Classification: Benign. Last evaluated: 2026-09-01. Review status: criteria provided, single submitter. Criteria: CeGaT Center For Human Genetics Tuebingen Variant Classification Criteria Version 2. Collection method: clinical testing. Allele origin: germline. Affected: yes. Observed: 3 variant alleles.
Comment: NDUFS2: BS1, BS2

Illumina Laboratory Services, Illumina
Classification: Uncertain significance for Mitochondrial complex I deficiency, nuclear type 1. Last evaluated: 2018-01-13. Review status: criteria provided, single submitter. Criteria: ICSL Variant Classification Criteria 13 December 2019. Collection method: clinical testing. Allele origin: germline.

GeneDx
Classification: Benign. Last evaluated: 2014-04-25. Review status: criteria provided, single submitter. Criteria: GeneDx Variant Classification (06012015). Collection method: clinical testing. Allele origin: germline. Affected: yes.
Comment: This variant is considered likely benign or benign based on one or more of the following criteria: it is a conservative change, it occurs at a poorly conserved position in the protein, it is predicted to be benign by multiple in silico algorithms, and/or has population frequency not consistent with disease.

NM_004550.5(NDUFS2):c.-223C>G

Gene: NDUFS2 (NADH:ubiquinone oxidoreductase core subunit S2; plus strand). Cytogenetic location: 1q23.3.
Variant type: single nucleotide variant.
Coding change: c.-223C>G on transcript NM_004550.5; 223 bases upstream of the start codon, C replaced by G.
Molecular consequence: 5 prime UTR variant.
Genome position (GRCh38, 1-based): chr1:161,202,163, C>G. VCF-style: chr1-161202163-C-G. GRCh37 (hg19) VCF-style: chr1-161171953-C-G.
Other names: c.-223C>G (NM_001377298.1, NM_001377300.1, NM_001377301.1).
Identifiers: ClinVar variation 138488 (VCV000138488.13), dbSNP rs74124661, ClinGen allele CA292500.
Genomic context (GRCh38, chr1:161,202,163, plus strand): 5'-TCTGCCCCACGCAGGAACGGCAATTTTCCCTTGCTCGCTCCTAGAAAAGCCAGCCAGGAG[C>G]TGTGGGAGGAAACGCCCTCAGTAAAGATGACCGCGGTCACTGTTATCTAAACGCAAGTGA-3'